The following is an entry in ClinVar:

NM_001127392.3(MYRF):c.1560C>T (p.Ala520=)

Gene: MYRF (myelin regulatory factor; plus strand). Cytogenetic location: 11q12.2.
Variant type: single nucleotide variant.
Coding change: c.1560C>T on transcript NM_001127392.3 (MANE Select); coding-DNA position 1560, C replaced by T.
Protein change: p.Ala520=; no amino-acid change (alanine 520 retained).
Molecular consequence: synonymous variant.
Genome position (GRCh38, 1-based): chr11:61,776,847, C>T. VCF-style: chr11-61776847-C-T. GRCh37 (hg19) VCF-style: chr11-61544319-C-T.
Other names: c.1533C>T, p.Ala511= (NM_013279.4); c.1560C>T (NM_001127392.2).
Identifiers: ClinVar variation 2641834 (VCV002641834.26), dbSNP rs138014773, ClinGen allele CA6037915.
Genomic context (GRCh38, chr11:61,776,847, plus strand): 5'-GTACTTCATGCTGGTGGTGGCCCTCCAGGCTCATGCACAGAACCAGAACTACACGCTGGC[C>T]GCCCAGATCTCAGAGCGCATCATTGTGCGGGTGAGGGCCACCTCCTCCCAGGGCGTAGAC-3'
Protein context (NP_001120864.1, residues 510-530): AHAQNQNYTL[Ala520=]AQISERIIVR

ClinVar aggregate classification (germline): Benign/Likely benign. Review status: criteria provided, multiple submitters, no conflicts (2 of 4 stars). 3 submissions from 3 submitters: Benign (1); Likely benign (1). 1 of the submissions does not count toward it. Last evaluated 2024-11-11.

Conditions:
MYRF-related disorder. Also called: MYRF-related condition; MYRF-related disorders.

Allele frequency attached by ClinVar (database versions not stated): gnomAD exomes 0.00072; gnomAD 0.00077; TOPMed 0.00095; ESP Exome Variant Server 0.00108; ExAC 0.00150.
gnomAD v4.1: 1,207 of 1,608,162 alleles (0.075%); highest among the groups gnomAD compares: Admixed American, 0.068%; 6 homozygotes.

Submissions (3):

Blueprint Genetics
Classification: Likely benign. Last evaluated: 2024-11-11. Review status: criteria provided, single submitter. Criteria: ACMG Guidelines, 2015. Collection method: clinical testing. Allele origin: germline.

CeGaT Center for Human Genetics Tuebingen
Classification: Benign. Last evaluated: 2022-03-01. Review status: criteria provided, single submitter. Criteria: CeGaT Center For Human Genetics Tuebingen Variant Classification Criteria Version 2. Collection method: clinical testing. Allele origin: germline. Affected: yes. Observed: 1 variant allele.
Comment: MYRF: BS1, BS2

PreventionGenetics, part of Exact Sciences
Classification: Benign for MYRF-related condition. Last evaluated: 2019-11-19. Review status: no assertion criteria provided. Collection method: clinical testing. Allele origin: germline. Not counted in ClinVar's aggregate classification.
Comment: This variant is classified as benign based on ACMG/AMP sequence variant interpretation guidelines (Richards et al. 2015 PMID: 25741868, with internal and published modifications).